The following is an entry in ClinVar:

NM_005491.5(MAMLD1):c.1496del (p.Gln499fs)

Gene: MAMLD1 (mastermind like domain containing 1; plus strand). Cytogenetic location: Xq28.
Variant type: Deletion.
Coding change: c.1496del on transcript NM_005491.5 (MANE Select); coding-DNA position 1496, one base deleted (A; older notation c.1496delA).
Protein change: p.Gln499fs; shifts the reading frame from glutamine 499.
Molecular consequence: frameshift variant.
Genome position (GRCh38, 1-based): chrX:150,471,069, A deleted. VCF-style (leftmost placement, unchanged base first): chrX-150471068-CA-C. GRCh37 (hg19) VCF-style: chrX-149639340-CA-C.
Other names: c.1421del, p.Gln474fs (NM_001177465.3, NM_001177466.3, NM_001400514.1); c.1496del, p.Gln499fs (NM_001400512.1, NM_001400513.1, NM_001400515.1); short protein forms Q474fs, Q499fs.
Identifiers: ClinVar variation 5023855 (VCV005023855.1).

ClinVar aggregate classification (germline): Uncertain significance (1 of 4 stars; one submission).

Conditions:
Inborn genetic diseases. Identifiers: MedGen C0950123, MeSH D030342.

Submission:

Ambry Genetics
Classification: Uncertain significance for Inborn genetic diseases. Last evaluated: 2026-06-25. Review status: criteria provided, single submitter. Criteria: Ambry Variant Classification Scheme 2023. Collection method: clinical testing. Allele origin: germline.
Comment: The c.1496delA (p.Q499Rfs*7) alteration, located in exon 3 (coding exon 3) of the MAMLD1 gene, consists of a deletion of one nucleotide at position 1496, causing a translational frameshift with a predicted alternate stop codon after 7 amino acids. This variant is expected to result in premature protein truncation or nonsense-mediated mRNA decay. However, loss of function of MAMLD1 has not been established as a mechanism of disease. This variant was not reported in population-based cohorts in the Genome Aggregation Database (gnomAD). Based on insufficient or conflicting evidence, the clinical significance of this alteration remains unclear.